The following is an entry in ClinVar:

NM_014141.6(CNTNAP2):c.3494A>G (p.Gln1165Arg)

Gene: CNTNAP2 (contactin associated protein 2; plus strand). Cytogenetic location: 7q36.1.
Variant type: single nucleotide variant.
Coding change: c.3494A>G on transcript NM_014141.6 (MANE Select); coding-DNA position 3494, A replaced by G.
Protein change: p.Gln1165Arg; replaces glutamine 1165 with arginine.
Molecular consequence: missense variant.
Genome position (GRCh38, 1-based): chr7:148,383,667, A>G. VCF-style: chr7-148383667-A-G. GRCh37 (hg19) VCF-style: chr7-148080759-A-G.
Other names: short protein forms Q1165R.
Identifiers: ClinVar variation 2067379 (VCV002067379.4), dbSNP rs2485691571, ClinGen allele CA369704065.

ClinVar aggregate classification (germline): Uncertain significance (1 of 4 stars; one submission).

Conditions:
Cortical dysplasia-focal epilepsy syndrome (PTHSL1). Also called: Pitt-Hopkins-like syndrome 1. Identifiers: Orphanet 163681, Orphanet 221150, MedGen C2750246, MONDO:0012400, OMIM 610042.

Allele frequency attached by ClinVar (database versions not stated): gnomAD exomes 0.00001.
gnomAD v4.1: 4 of 1,614,218 alleles (0.00025%); highest among the groups gnomAD compares: Non-Finnish European, 0.00025%; no homozygotes.

Submission:

Labcorp Genetics (formerly Invitae), Labcorp
Classification: Uncertain significance for Cortical dysplasia-focal epilepsy syndrome. Last evaluated: 2021-12-31. Review status: criteria provided, single submitter. Criteria: Invitae Variant Classification Sherloc (09022015). Collection method: clinical testing. Allele origin: germline.
Comment: In summary, the available evidence is currently insufficient to determine the role of this variant in disease. Therefore, it has been classified as a Variant of Uncertain Significance. Algorithms developed to predict the effect of missense changes on protein structure and function (SIFT, PolyPhen-2, Align-GVGD) all suggest that this variant is likely to be tolerated. This variant has not been reported in the literature in individuals affected with CNTNAP2-related conditions. This variant is not present in population databases (gnomAD no frequency). This sequence change replaces glutamine, which is neutral and polar, with arginine, which is basic and polar, at codon 1165 of the CNTNAP2 protein (p.Gln1165Arg).